The following is an entry in ClinVar:

NM_001130438.3(SPTAN1):c.1655T>G (p.Leu552Trp)

Gene: SPTAN1 (spectrin alpha, non-erythrocytic 1; plus strand). Cytogenetic location: 9q34.11.
Variant type: single nucleotide variant.
Coding change: c.1655T>G on transcript NM_001130438.3 (MANE Select); coding-DNA position 1655, T replaced by G.
Protein change: p.Leu552Trp; replaces leucine 552 with tryptophan.
Molecular consequence: missense variant.
Genome position (GRCh38, 1-based): chr9:128,582,698, T>G. VCF-style: chr9-128582698-T-G. GRCh37 (hg19) VCF-style: chr9-131344977-T-G.
Other names: c.1655T>G, p.Leu552Trp (NM_001195532.2, NM_001363759.2, NM_001363765.2 and 5 more transcripts); c.1691T>G, p.Leu564Trp (NM_001375312.2, NM_001375318.1); short protein forms L552W, L564W.
Identifiers: ClinVar variation 958067 (VCV000958067.10), dbSNP rs1852093848, ClinGen allele CA375054902.

ClinVar aggregate classification (germline): Uncertain significance (1 of 4 stars; one submission).

Conditions:
Early-infantile DEE. Also called: Early infantile epileptic encephalopathy; Ohtahara syndrome; Early infantile epileptic encephalopathy with suppression bursts. Identifiers: Orphanet 1934, MedGen C0393706, MONDO:0800491.

Allele frequency attached by ClinVar (database versions not stated): gnomAD exomes below 0.00001.
gnomAD v4.1: 4 of 1,613,406 alleles (0.00025%); highest among the groups gnomAD compares: African/African-American, 0.0053%; no homozygotes.

Submission:

Labcorp Genetics (formerly Invitae), Labcorp
Classification: Uncertain significance for Early-infantile DEE. Last evaluated: 2022-02-05. Review status: criteria provided, single submitter. Criteria: Invitae Variant Classification Sherloc (09022015). Collection method: clinical testing. Allele origin: germline.
Comment: Algorithms developed to predict the effect of missense changes on protein structure and function (SIFT, PolyPhen-2, Align-GVGD) all suggest that this variant is likely to be disruptive. In summary, the available evidence is currently insufficient to determine the role of this variant in disease. Therefore, it has been classified as a Variant of Uncertain Significance. ClinVar contains an entry for this variant (Variation ID: 958067). This variant has not been reported in the literature in individuals affected with SPTAN1-related conditions. This variant is not present in population databases (gnomAD no frequency). This sequence change replaces leucine, which is neutral and non-polar, with tryptophan, which is neutral and slightly polar, at codon 552 of the SPTAN1 protein (p.Leu552Trp).